The following is an entry in ClinVar:

NM_001080779.2(MYO1C):c.2415C>T (p.Asn805=)

Gene: MYO1C (myosin IC; minus strand). Cytogenetic location: 17p13.3.
Variant type: single nucleotide variant.
Coding change: c.2415C>T on transcript NM_001080779.2 (MANE Select); coding-DNA position 2415, C replaced by T.
Protein change: p.Asn805=; no amino-acid change (asparagine 805 retained).
Molecular consequence: synonymous variant.
Genome position (GRCh38, 1-based): chr17:1,470,286, G>A on the plus strand (C>T on the coding strand, the complement: MYO1C is on the minus strand). VCF-style: chr17-1470286-G-A. GRCh37 (hg19) VCF-style: chr17-1373580-G-A.
Other names: c.2358C>T, p.Asn786= (NM_001080950.2); c.2343C>T, p.Asn781= (NM_001363855.1); c.2310C>T, p.Asn770= (NM_033375.5).
Identifiers: ClinVar variation 2647182 (VCV002647182.24), dbSNP rs377691339, ClinGen allele CA8266994.
Genomic context (GRCh38, chr17:1,470,286, plus strand): 5'-GGGCAGCTGCCGCCTCAGGTTTAGCAAAAAAGAGGTGCGCACATGGTCCAGGAAGAAGGC[G>A]TTCTCGGGGCAGCGGGGGGCGTGGCGCAGGACGAAGCCTCGGATGAGCCTGGGGTGGGGG-3'
Protein context (NP_001074248.1, residues 795-815): VLRHAPRCPE[Asn805=]AFFLDHVRTS

ClinVar aggregate classification (germline): Likely benign (1 of 4 stars; one submission).

Allele frequency attached by ClinVar (database versions not stated): ExAC 0.00010; gnomAD 0.00015; gnomAD exomes 0.00020; ESP Exome Variant Server 0.00031.
gnomAD v4.1: 314 of 1,590,362 alleles (0.02%); highest among the groups gnomAD compares: Non-Finnish European, 0.025%; no homozygotes.

Submission:

CeGaT Center for Human Genetics Tuebingen
Classification: Likely benign. Last evaluated: 2023-03-01. Review status: criteria provided, single submitter. Criteria: CeGaT Center For Human Genetics Tuebingen Variant Classification Criteria Version 2. Collection method: clinical testing. Allele origin: germline. Affected: yes. Observed: 1 variant allele.
Comment: MYO1C: BP4, BP7